The following is an entry in ClinVar:

NM_001035.3(RYR2):c.672C>A (p.Ala224=)

Gene: RYR2 (ryanodine receptor 2; plus strand). Cytogenetic location: 1q43.
Variant type: single nucleotide variant.
Coding change: c.672C>A on transcript NM_001035.3 (MANE Select); coding-DNA position 672, C replaced by A.
Protein change: p.Ala224=; no amino-acid change (alanine 224 retained).
Molecular consequence: synonymous variant.
Genome position (GRCh38, 1-based): chr1:237,387,376, C>A. VCF-style: chr1-237387376-C-A. GRCh37 (hg19) VCF-style: chr1-237550676-C-A.
Identifiers: ClinVar variation 796219 (VCV000796219.13), dbSNP rs1572092448, ClinGen allele CA423809262.
Genomic context (GRCh38, chr1:237,387,376, plus strand): 5'-TGCCGCTTTCCAGCAGACTCTCTGGAGCGTGGCCCCAATCAGCTCAGGAAGTGAGGCAGC[C>A]CAAGGTAAAAACTCCACTTCAATTAGAGGGCCTGTCCTTGCTGCAAAGTTGACAGTCATC-3'
Protein context (NP_001026.2, residues 214-234): VAPISSGSEA[Ala224=]QGYLIGGDVL

ClinVar aggregate classification (germline): Likely benign. Review status: criteria provided, multiple submitters, no conflicts (2 of 4 stars). 3 submissions from 3 submitters: Likely benign (3). Last evaluated 2025-06-11.

Conditions:
Catecholaminergic polymorphic ventricular tachycardia (CVPT). Also called: Catecholamine-induced polymorphic ventricular tachycardia. Identifiers: Orphanet 3286, MedGen C5574922, MONDO:0017990.
Catecholaminergic polymorphic ventricular tachycardia 1. Also called: VENTRICULAR TACHYCARDIA, CATECHOLAMINERGIC POLYMORPHIC, 1, WITH OR WITHOUT ATRIAL DYSFUNCTION AND/OR DILATED CARDIOMYOPATHY; VENTRICULAR TACHYCARDIA, STRESS-INDUCED POLYMORPHIC 1; RYR2-Related Catecholaminergic Polymorphic Ventricular Tachycardia. Identifiers: Orphanet 3286, MedGen C1631597, MONDO:0011484, OMIM 604772.
Cardiovascular phenotype. Identifiers: MedGen CN230736.

Submissions (3):

Labcorp Genetics (formerly Invitae), Labcorp
Classification: Likely benign for Catecholaminergic polymorphic ventricular tachycardia 1. Last evaluated: 2025-06-11. Review status: criteria provided, single submitter. Criteria: Invitae Variant Classification Sherloc (09022015). Collection method: clinical testing. Allele origin: germline.

All of Us Research Program, National Institutes of Health
Classification: Likely benign for Catecholaminergic polymorphic ventricular tachycardia. Last evaluated: 2023-11-02. Review status: criteria provided, single submitter. Criteria: ACMG Guidelines, 2015. Collection method: clinical testing. Allele origin: germline. Inheritance: Autosomal dominant inheritance. Observed: 1 variant allele, 1 heterozygote.
Comment: This study involves interpretation of variants in research participants for the purpose of population health screening. Participant phenotype was not available at the time of variant classification. Additional details can be found in publication PMID: 35346344, PMCID: PMC8962531

Ambry Genetics
Classification: Likely benign for Cardiovascular phenotype. Last evaluated: 2020-01-27. Review status: criteria provided, single submitter. Criteria: Ambry Variant Classification Scheme 2023. Collection method: clinical testing. Allele origin: germline.